The following is an entry in ClinVar:

NM_031885.5(BBS2):c.522T>A (p.Asp174Glu)

Gene: BBS2 (Bardet-Biedl syndrome 2; minus strand). Cytogenetic location: 16q13.
Variant type: single nucleotide variant.
Coding change: c.522T>A on transcript NM_031885.5 (MANE Select); coding-DNA position 522, T replaced by A.
Protein change: p.Asp174Glu; replaces aspartic acid 174 with glutamic acid.
Molecular consequence: missense variant. On other transcripts: non-coding transcript variant (5).
Genome position (GRCh38, 1-based): chr16:56,510,871, A>T on the plus strand (T>A on the coding strand, the complement: BBS2 is on the minus strand). VCF-style: chr16-56510871-A-T. GRCh37 (hg19) VCF-style: chr16-56544783-A-T.
Other names: c.522T>A, p.Asp174Glu (NM_001377456.1); short protein forms D174E.
Identifiers: ClinVar variation 585182 (VCV000585182.11), dbSNP rs767373822, ClinGen allele CA8066026.

ClinVar aggregate classification (germline): Conflicting classifications of pathogenicity. Review status: criteria provided, conflicting classifications (1 of 4 stars). 6 submissions from 6 submitters: Likely pathogenic (4); Uncertain significance (1). 1 of the submissions does not count toward it. Last evaluated 2026-06-20.

Conditions:
BBS2-related disorder. Also called: BBS2-related disorders; BBS2-related condition. Identifiers: MedGen CN239228.
Bardet-Biedl syndrome 2 (BBS2). Identifiers: Orphanet 110, MedGen C2936863, MONDO:0014432, OMIM 615981.
Retinitis pigmentosa 74 (RP74). Identifiers: Orphanet 791, MedGen C4225281, MONDO:0014692, OMIM 616562.
Bardet-Biedl syndrome (BBS). Identifiers: Orphanet 110, MedGen C0752166, MONDO:0015229.

Allele frequency attached by ClinVar (database versions not stated): ExAC 0.00001; gnomAD 0.00001; gnomAD exomes 0.00001.
gnomAD v4.1: 19 of 1,614,048 alleles (0.0012%); highest among the groups gnomAD compares: Admixed American, 0.005%; no homozygotes.

Submissions (6):

PreventionGenetics, part of Exact Sciences
Classification: Uncertain significance for BBS2-related condition. Last evaluated: 2026-06-20. Review status: criteria provided, single submitter. Criteria: ACMG Guidelines, 2015. Collection method: clinical testing. Allele origin: germline.
Comment: The BBS2 c.522T>A variant is predicted to result in the amino acid substitution p.Asp174Glu. This variant was reported in the homozygous state in a fetus with suspected Bardet-Biedl syndrome (Mary et al. 2019. PubMed ID: 30614526). This variant was reported in the heterozygous state in two individuals with Bardet-Biedl syndrome. In one individual, a second variant was not detected (Hoskins et al. 2003. PubMed ID: 12872256). In the other individual, an additional likely pathogenic variant was detected in BBS2 but phase was not established (Stone et al. 2017. PubMed ID: 28559085). This variant is reported in 0.0058% of alleles in individuals of Latino descent in gnomAD. Although we suspect that this variant may be pathogenic, at this time, the clinical significance of this variant is uncertain due to the absence of conclusive functional and genetic evidence.

Women's Health and Genetics/Laboratory Corporation of America, LabCorp
Classification: Likely pathogenic for Bardet-Biedl syndrome. Last evaluated: 2025-06-12. Review status: criteria provided, single submitter. Criteria: LabCorp Variant Classification Summary - May 2015. Collection method: clinical testing. Allele origin: germline.
Comment: Variant summary: BBS2 c.522T>A (p.Asp174Glu) results in a conservative amino acid change in the encoded protein sequence. Algorithms developed to predict the effect of missense changes on protein structure and function are either unavailable or do not agree on the potential impact of this missense change. The variant allele was found at a frequency of 1.2e-05 in 251484 control chromosomes. c.522T>A has been observed in compound heterozygous or homozygous individuals affected with Bardet-Biedl Syndrome (Stone_2017, Mary_2019). These data indicate that the variant is likely to be associated with disease. To our knowledge, no experimental evidence demonstrating an impact on protein function has been reported. The following publications have been ascertained in the context of this evaluation (PMID: 12872256, 30614526, 28559085). ClinVar contains an entry for this variant (Variation ID: 585182). Based on the evidence outlined above, the variant was classified as likely pathogenic.

Baylor Genetics
Classification: Likely pathogenic for Bardet-Biedl syndrome 2. Last evaluated: 2024-02-21. Review status: criteria provided, single submitter. Criteria: ACMG Guidelines, 2015. Collection method: clinical testing. Allele origin: unknown.

Fulgent Genetics
Classification: Likely pathogenic for Bardet-Biedl syndrome 2; Retinitis pigmentosa 74. Last evaluated: 2023-12-21. Review status: criteria provided, single submitter. Criteria: ACMG Guidelines, 2015. Collection method: clinical testing. Allele origin: germline.

Labcorp Genetics (formerly Invitae), Labcorp
Classification: Likely pathogenic for Bardet-Biedl syndrome. Last evaluated: 2023-05-28. Review status: criteria provided, single submitter. Criteria: Invitae Variant Classification Sherloc (09022015). Collection method: clinical testing. Allele origin: germline.
Comment: This sequence change replaces aspartic acid, which is acidic and polar, with glutamic acid, which is acidic and polar, at codon 174 of the BBS2 protein (p.Asp174Glu). This variant is present in population databases (rs767373822, gnomAD 0.006%). This missense change has been observed in individual(s) with Bardet-Biedl syndrome (PMID: 28559085, 30614526). In at least one individual the data is consistent with being in trans (on the opposite chromosome) from a pathogenic variant. It has also been observed to segregate with disease in related individuals. ClinVar contains an entry for this variant (Variation ID: 585182). Advanced modeling of protein sequence and biophysical properties (such as structural, functional, and spatial information, amino acid conservation, physicochemical variation, residue mobility, and thermodynamic stability) performed at Invitae indicates that this missense variant is not expected to disrupt BBS2 protein function. In summary, the currently available evidence indicates that the variant is pathogenic, but additional data are needed to prove that conclusively. Therefore, this variant has been classified as Likely Pathogenic.

Laboratory of Medical Genetics (UMR_S 1112), INSERM/Strasbourg University
Classification: Pathogenic for Bardet-Biedl syndrome. Last evaluated: 2018-09-15. Review status: no assertion criteria provided. Collection method: provider interpretation. Allele origin: germline. Affected: yes. Study: French fetal BBS cohort. Not counted in ClinVar's aggregate classification.

Literature cited by the submitters: PubMed 12872256 (cited by Women's Health and Genetics/Laboratory Corporation of America, LabCorp); PubMed 28559085 (cited by Women's Health and Genetics/Laboratory Corporation of America, LabCorp and Labcorp Genetics (formerly Invitae), Labcorp); PubMed 30614526 (cited by 3 submitters).